The following is an entry in ClinVar:

NM_001365536.1(SCN9A):c.5964A>C (p.Lys1988Asn)

Genes: SCN9A (sodium voltage-gated channel alpha subunit 9; minus strand), SCN1A-AS1 (SCN1A and SCN9A antisense RNA 1; plus strand). Cytogenetic location: 2q24.3.
Variant type: single nucleotide variant.
Coding change: c.5964A>C on transcript NM_001365536.1 (MANE Select); coding-DNA position 5964, A replaced by C.
Protein change: p.Lys1988Asn; replaces lysine 1988 with asparagine.
Molecular consequence: missense variant.
Genome position (GRCh38, 1-based): chr2:166,198,675, T>G on the plus strand (A>C on the coding strand, the complement: SCN9A is on the minus strand). VCF-style: chr2-166198675-T-G. GRCh37 (hg19) VCF-style: chr2-167055185-T-G.
Other names: c.5931A>C, p.Lys1977Asn (NM_002977.4); short protein forms K1988N, K1977N.
Identifiers: ClinVar variation 2933957 (VCV002933957.3), dbSNP rs755454879, ClinGen allele CA1943588.
Genomic context (GRCh38, chr2:166,198,675, plus strand): 5'-TATTAACACAAATAAATCACTTTCACAGGCTGTAAACAATATATCAAAAATGAAGCTCTA[T>G]TTTTTGCTTTCCTTGCTGTCTTTCCCTTTGTCTTCCTTTTCTGTTCTGTCTTGTTCATAT-3'
Protein context (NP_001352465.1, residues 1978-1988): DKGKDSKESK[Lys1988Asn]

ClinVar aggregate classification (germline): Uncertain significance (1 of 4 stars; one submission).

Conditions:
Neuropathy, hereditary sensory and autonomic, type 2A (HSAN2A). Also called: MORVAN DISEASE; NEUROPATHY, CONGENITAL SENSORY; NEUROPATHY, HEREDITARY SENSORY RADICULAR, AUTOSOMAL RECESSIVE; NEUROPATHY, HEREDITARY SENSORY, TYPE IIA; NEUROPATHY, PROGRESSIVE SENSORY, OF CHILDREN; ACROOSTEOLYSIS, GIACCAI TYPE. Identifiers: Orphanet 970, MedGen C2752089, MONDO:0024309, OMIM 201300.
Generalized epilepsy with febrile seizures plus, type 7 (GEFSP7). Also called: GEFS+, TYPE 7. Identifiers: Orphanet 36387, MedGen C2751778, MONDO:0013470, OMIM 613863.

Allele frequency attached by ClinVar (database versions not stated): gnomAD exomes below 0.00001; gnomAD 0.00001; TOPMed 0.00001; ExAC 0.00002.
gnomAD v4.1: 2 of 1,585,070 alleles (0.00013%); highest among the groups gnomAD compares: Admixed American, 0.0036%; no homozygotes.

Submission:

Labcorp Genetics (formerly Invitae), Labcorp
Classification: Uncertain significance for Neuropathy, hereditary sensory and autonomic, type 2A; Generalized epilepsy with febrile seizures plus, type 7. Last evaluated: 2024-08-12. Review status: criteria provided, single submitter. Criteria: Invitae Variant Classification Sherloc (09022015). Collection method: clinical testing. Allele origin: germline.
Comment: This sequence change replaces lysine, which is basic and polar, with asparagine, which is neutral and polar, at codon 1977 of the SCN9A protein (p.Lys1977Asn). This variant is present in population databases (rs755454879, gnomAD 0.007%). This variant has not been reported in the literature in individuals affected with SCN9A-related conditions. Advanced modeling of protein sequence and biophysical properties (such as structural, functional, and spatial information, amino acid conservation, physicochemical variation, residue mobility, and thermodynamic stability) has been performed at Invitae for this missense variant, however the output from this modeling did not meet the statistical confidence thresholds required to predict the impact of this variant on SCN9A protein function. In summary, the available evidence is currently insufficient to determine the role of this variant in disease. Therefore, it has been classified as a Variant of Uncertain Significance.